The following is an entry in ClinVar:

ClinVar aggregate classification (germline): Uncertain significance. Review status: criteria provided, single submitter (1 of 4 stars). 2 submissions from 2 submitters: Uncertain significance (1). 1 of the submissions does not count toward it. Last evaluated 2024-06-05.

Conditions:
Inborn genetic diseases. Identifiers: MedGen C0950123, MeSH D030342.
DAAM2-related disorder. Also called: DAAM2-related condition.

Allele frequency attached by ClinVar (database versions not stated): gnomAD 0.00001; gnomAD exomes 0.00002; TOPMed 0.00003; ExAC 0.00010.
gnomAD v4.1: 25 of 1,536,218 alleles (0.0016%); highest among the groups gnomAD compares: Middle Eastern, 0.17%; 1 homozygote.

Submissions (2):

Ambry Genetics
Classification: Uncertain significance for Inborn genetic diseases. Last evaluated: 2024-06-05. Review status: criteria provided, single submitter. Criteria: Ambry Variant Classification Scheme 2023. Collection method: clinical testing. Allele origin: germline.

PreventionGenetics, part of Exact Sciences
Classification: Uncertain significance for DAAM2-related condition. Last evaluated: 2024-01-26. Review status: no assertion criteria provided. Collection method: clinical testing. Allele origin: germline. Not counted in ClinVar's aggregate classification.
Comment: The DAAM2 c.11G>A variant is predicted to result in the amino acid substitution p.Arg4His. To our knowledge, this variant has not been reported in the literature. This variant is reported in 0.030% of alleles in individuals of East Asian descent in gnomAD. At this time, the clinical significance of this variant is uncertain due to the absence of conclusive functional and genetic evidence.

NM_001201427.2(DAAM2):c.11G>A (p.Arg4His)

Gene: DAAM2 (dishevelled associated activator of morphogenesis 2; plus strand). Cytogenetic location: 6p21.2.
Variant type: single nucleotide variant.
Coding change: c.11G>A on transcript NM_001201427.2 (MANE Select); coding-DNA position 11, G replaced by A.
Protein change: p.Arg4His; replaces arginine 4 with histidine.
Molecular consequence: missense variant.
Genome position (GRCh38, 1-based): chr6:39,856,313, G>A. VCF-style: chr6-39856313-G-A. GRCh37 (hg19) VCF-style: chr6-39824089-G-A.
Other names: c.11G>A, p.Arg4His (NM_015345.4); short protein forms R4H.
Identifiers: ClinVar variation 3036664 (VCV003036664.3), dbSNP rs775379327, ClinGen allele CA3794586.